The following is an entry in ClinVar:

ClinVar aggregate classification (germline): Uncertain significance (1 of 4 stars; one submission).

Submission:

Labcorp Genetics (formerly Invitae), Labcorp
Classification: Uncertain significance. Last evaluated: 2022-11-01. Review status: criteria provided, single submitter. Criteria: Invitae Variant Classification Sherloc (09022015). Collection method: clinical testing. Allele origin: germline.
Comment: This sequence change replaces serine, which is neutral and polar, with arginine, which is basic and polar, at codon 1208 of the LRP5 protein (p.Ser1208Arg). This variant is not present in population databases (gnomAD no frequency). This variant has not been reported in the literature in individuals affected with LRP5-related conditions. ClinVar contains an entry for this variant (Variation ID: 1389193). Advanced modeling of protein sequence and biophysical properties (such as structural, functional, and spatial information, amino acid conservation, physicochemical variation, residue mobility, and thermodynamic stability) performed at Invitae indicates that this missense variant is not expected to disrupt LRP5 protein function. In summary, the available evidence is currently insufficient to determine the role of this variant in disease. Therefore, it has been classified as a Variant of Uncertain Significance.

NM_002335.4(LRP5):c.3624C>A (p.Ser1208Arg)

Gene: LRP5 (LDL receptor related protein 5; plus strand). Cytogenetic location: 11q13.2.
Variant type: single nucleotide variant.
Coding change: c.3624C>A on transcript NM_002335.4 (MANE Select); coding-DNA position 3624, C replaced by A.
Protein change: p.Ser1208Arg; replaces serine 1208 with arginine.
Molecular consequence: missense variant.
Genome position (GRCh38, 1-based): chr11:68,426,174, C>A. VCF-style: chr11-68426174-C-A. GRCh37 (hg19) VCF-style: chr11-68193642-C-A.
Other names: c.1881C>A, p.Ser627Arg (NM_001291902.2); short protein forms S1208R, S627R.
Identifiers: ClinVar variation 1389193 (VCV001389193.6), dbSNP rs2153174498, ClinGen allele CA381622076.